The following is an entry in ClinVar:

ClinVar aggregate classification (germline): Uncertain significance. Review status: criteria provided, multiple submitters, no conflicts (2 of 4 stars). 2 submissions from 2 submitters: Uncertain significance (2). Last evaluated 2025-06-22.

Conditions:
Developmental and epileptic encephalopathy, 12 (DEE12). Identifiers: MedGen C3150988, MONDO:0013389, OMIM 613722.
Inborn genetic diseases. Identifiers: MedGen C0950123, MeSH D030342.

Allele frequency attached by ClinVar (database versions not stated): gnomAD exomes below 0.00001; TOPMed below 0.00001; ExAC 0.00002.
gnomAD v4.1: 5 of 1,614,002 alleles (0.00031%); highest among the groups gnomAD compares: Non-Finnish European, 0.00042%; no homozygotes.

Submissions (2):

Ambry Genetics
Classification: Uncertain significance for Inborn genetic diseases. Last evaluated: 2025-06-22. Review status: criteria provided, single submitter. Criteria: Ambry Variant Classification Scheme 2023. Collection method: clinical testing. Allele origin: germline.

Labcorp Genetics (formerly Invitae), Labcorp
Classification: Uncertain significance for Developmental and epileptic encephalopathy, 12. Last evaluated: 2022-11-08. Review status: criteria provided, single submitter. Criteria: Invitae Variant Classification Sherloc (09022015). Collection method: clinical testing. Allele origin: germline.
Comment: This variant disrupts the p.Leu176 amino acid residue in PNKP. Other variant(s) that disrupt this residue have been determined to be pathogenic (PMID: 20118933, 22508754). This suggests that this residue is clinically significant, and that variants that disrupt this residue are likely to be disease-causing. In summary, the available evidence is currently insufficient to determine the role of this variant in disease. Therefore, it has been classified as a Variant of Uncertain Significance. Advanced modeling of protein sequence and biophysical properties (such as structural, functional, and spatial information, amino acid conservation, physicochemical variation, residue mobility, and thermodynamic stability) performed at Invitae indicates that this missense variant is expected to disrupt PNKP protein function. This variant has not been reported in the literature in individuals affected with PNKP-related conditions. This variant is present in population databases (rs771458611, gnomAD 0.002%). This sequence change replaces leucine, which is neutral and non-polar, with proline, which is neutral and non-polar, at codon 176 of the PNKP protein (p.Leu176Pro).

Literature cited by the submitters: PubMed 20118933 (cited by Labcorp Genetics (formerly Invitae), Labcorp); PubMed 22508754 (cited by Labcorp Genetics (formerly Invitae), Labcorp).

NM_007254.4(PNKP):c.527T>C (p.Leu176Pro)

Gene: PNKP (polynucleotide kinase 3'-phosphatase; minus strand). Cytogenetic location: 19q13.33.
Variant type: single nucleotide variant.
Coding change: c.527T>C on transcript NM_007254.4 (MANE Select); coding-DNA position 527, T replaced by C.
Protein change: p.Leu176Pro; replaces leucine 176 with proline.
Molecular consequence: missense variant.
Genome position (GRCh38, 1-based): chr19:49,864,375, A>G on the plus strand (T>C on the coding strand, the complement: PNKP is on the minus strand). VCF-style: chr19-49864375-A-G. GRCh37 (hg19) VCF-style: chr19-50367632-A-G.
Other names: c.527T>C (NM_007254.3); short protein forms L176P.
Identifiers: ClinVar variation 2085161 (VCV002085161.3), dbSNP rs771458611, ClinGen allele CA9586913.